The following is an entry in ClinVar:

NM_032119.4(ADGRV1):c.11258G>T (p.Gly3753Val)

Gene: ADGRV1 (adhesion G protein-coupled receptor V1; plus strand). Cytogenetic location: 5q14.3.
Variant type: single nucleotide variant.
Coding change: c.11258G>T on transcript NM_032119.4 (MANE Select); coding-DNA position 11258, G replaced by T.
Protein change: p.Gly3753Val; replaces glycine 3753 with valine.
Molecular consequence: missense variant. On other transcripts: non-coding transcript variant (1).
Genome position (GRCh38, 1-based): chr5:90,753,710, G>T. VCF-style: chr5-90753710-G-T. GRCh37 (hg19) VCF-style: chr5-90049527-G-T.
Other names: c.11258G>T (NM_032119.3); short protein forms G3753V.
Identifiers: ClinVar variation 1460510 (VCV001460510.8), dbSNP rs1175011743, ClinGen allele CA360365111.

ClinVar aggregate classification (germline): Uncertain significance. Review status: criteria provided, multiple submitters, no conflicts (2 of 4 stars). 3 submissions from 3 submitters: Uncertain significance (3). Last evaluated 2023-06-06.

Conditions:
Inborn genetic diseases. Identifiers: MedGen C0950123, MeSH D030342.

gnomAD v4.1: 3 of 1,613,610 alleles (0.00019%); highest among the groups gnomAD compares: African/African-American, 0.0027%; no homozygotes.

Submissions (3):

Blueprint Genetics
Classification: Uncertain significance. Last evaluated: 2023-06-06. Review status: criteria provided, single submitter. Criteria: ACMG Guidelines, 2015. Collection method: clinical testing. Allele origin: germline.

Labcorp Genetics (formerly Invitae), Labcorp
Classification: Uncertain significance. Last evaluated: 2023-02-15. Review status: criteria provided, single submitter. Criteria: Invitae Variant Classification Sherloc (09022015). Collection method: clinical testing. Allele origin: germline.
Comment: This sequence change replaces glycine, which is neutral and non-polar, with valine, which is neutral and non-polar, at codon 3753 of the ADGRV1 protein (p.Gly3753Val). This variant is not present in population databases (gnomAD no frequency). This variant has not been reported in the literature in individuals affected with ADGRV1-related conditions. ClinVar contains an entry for this variant (Variation ID: 1460510). Advanced modeling of protein sequence and biophysical properties (such as structural, functional, and spatial information, amino acid conservation, physicochemical variation, residue mobility, and thermodynamic stability) performed at Invitae indicates that this missense variant is not expected to disrupt ADGRV1 protein function. In summary, the available evidence is currently insufficient to determine the role of this variant in disease. Therefore, it has been classified as a Variant of Uncertain Significance.

Ambry Genetics
Classification: Uncertain significance for Inborn genetic diseases. Last evaluated: 2021-09-27. Review status: criteria provided, single submitter. Criteria: Ambry Variant Classification Scheme 2023. Collection method: clinical testing. Allele origin: germline.